The following is an entry in ClinVar:

NM_183075.3(CYP2U1):c.425A>T (p.Gln142Leu)

Genes: CYP2U1 (cytochrome P450 family 2 subfamily U member 1; plus strand), CYP2U1-AS1 (CYP2U1 and SGMS2 antisense RNA 1; minus strand). Cytogenetic location: 4q25.
Variant type: single nucleotide variant.
Coding change: c.425A>T on transcript NM_183075.3 (MANE Select); coding-DNA position 425, A replaced by T.
Protein change: p.Gln142Leu; replaces glutamine 142 with leucine.
Molecular consequence: missense variant. On other transcripts: non-coding transcript variant (1).
Genome position (GRCh38, 1-based): chr4:107,932,068, A>T. VCF-style: chr4-107932068-A-T. GRCh37 (hg19) VCF-style: chr4-108853224-A-T.
Other names: c.425A>T (NM_183075.2); short protein forms Q142L.
Identifiers: ClinVar variation 1026736 (VCV001026736.5), dbSNP rs140010604, ClinGen allele CA3036988.

ClinVar aggregate classification (germline): Uncertain significance. Review status: criteria provided, multiple submitters, no conflicts (2 of 4 stars). 2 submissions from 2 submitters: Uncertain significance (2). Last evaluated 2024-11-22.

Conditions:
Spastic paraplegia. Identifiers: MedGen C0037772, HP:0001258.
Inborn genetic diseases. Identifiers: MedGen C0950123, MeSH D030342.

Allele frequency attached by ClinVar (database versions not stated): gnomAD exomes 0.00001 and 0.00003; ESP Exome Variant Server 0.00008; ExAC 0.00009; gnomAD 0.00011; TOPMed 0.00011.
gnomAD v4.1: 23 of 1,591,586 alleles (0.0014%); highest among the groups gnomAD compares: African/African-American, 0.03%; no homozygotes.

Submissions (2):

Ambry Genetics
Classification: Uncertain significance for Inborn genetic diseases. Last evaluated: 2024-11-22. Review status: criteria provided, single submitter. Criteria: Ambry Variant Classification Scheme 2023. Collection method: clinical testing. Allele origin: germline.

Labcorp Genetics (formerly Invitae), Labcorp
Classification: Uncertain significance for Spastic paraplegia. Last evaluated: 2022-08-06. Review status: criteria provided, single submitter. Criteria: Invitae Variant Classification Sherloc (09022015). Collection method: clinical testing. Allele origin: germline.
Comment: In summary, the available evidence is currently insufficient to determine the role of this variant in disease. Therefore, it has been classified as a Variant of Uncertain Significance. Advanced modeling of protein sequence and biophysical properties (such as structural, functional, and spatial information, amino acid conservation, physicochemical variation, residue mobility, and thermodynamic stability) performed at Invitae indicates that this missense variant is not expected to disrupt CYP2U1 protein function. This sequence change replaces glutamine, which is neutral and polar, with leucine, which is neutral and non-polar, at codon 142 of the CYP2U1 protein (p.Gln142Leu). This variant is present in population databases (rs140010604, gnomAD 0.05%). This variant has not been reported in the literature in individuals affected with CYP2U1-related conditions. ClinVar contains an entry for this variant (Variation ID: 1026736).